The following is an entry in ClinVar:

ClinVar aggregate classification (germline): Likely benign (1 of 4 stars; one submission).

Conditions:
LMAN1-related disorder. Also called: LMAN1-related condition.

gnomAD v4.1: 32 of 1,613,868 alleles (0.002%); highest among the groups gnomAD compares: East Asian, 0.0045%; no homozygotes.

Submission:

PreventionGenetics, part of Exact Sciences
Classification: Likely benign for LMAN1-related condition. Last evaluated: 2026-09-18. Review status: criteria provided, single submitter. Criteria: ACMG Guidelines, 2015. Collection method: clinical testing. Allele origin: germline.
Comment: This variant is classified as likely benign based on ACMG/AMP sequence variant interpretation guidelines (Richards et al. 2015 PMID: 25741868, with internal and published modifications).

NM_005570.4(LMAN1):c.370-10A>G

Gene: LMAN1 (lectin, mannose binding 1; minus strand). Cytogenetic location: 18q21.32.
Variant type: single nucleotide variant.
Coding change: c.370-10A>G on transcript NM_005570.4 (MANE Select); 10 bases into the intron before coding-DNA position 370, A replaced by G.
Molecular consequence: intron variant.
Genome position (GRCh38, 1-based): chr18:59,355,430, T>C on the plus strand (A>G on the coding strand, the complement: LMAN1 is on the minus strand). VCF-style: chr18-59355430-T-C. GRCh37 (hg19) VCF-style: chr18-57022662-T-C.
Identifiers: ClinVar variation 4978469 (VCV004978469.1).